The following is an entry in ClinVar:

NM_006939.4(SOS2):c.1934+1G>A

Gene: SOS2 (SOS Ras/Rho guanine nucleotide exchange factor 2; minus strand). Cytogenetic location: 14q21.3.
Variant type: single nucleotide variant.
Coding change: c.1934+1G>A on transcript NM_006939.4 (MANE Select); the canonical splice donor site of the intron after coding-DNA position 1934, G replaced by A.
Molecular consequence: splice donor variant.
Genome position (GRCh38, 1-based): chr14:50,158,564, C>T on the plus strand (G>A on the coding strand, the complement: SOS2 is on the minus strand). VCF-style: chr14-50158564-C-T. GRCh37 (hg19) VCF-style: chr14-50625282-C-T.
Other names: c.1835+1G>A (NM_001411020.1).
Identifiers: ClinVar variation 2750600 (VCV002750600.3), dbSNP rs2502982221, ClinGen allele CA389644625.
Genomic context (GRCh38, chr14:50,158,564, plus strand): 5'-TACAAAATACAGTTAATTTTTCACAAAATGTCAATATAACTGAAATACATATTTTTCTTA[C>T]CGTTCAATCAGTAAGCTCAGCAATTCCTGTGGTTTACAAAATGAACGATATGTGGTAAGA-3'

ClinVar aggregate classification (germline): Uncertain significance (1 of 4 stars; one submission).

Conditions:
Noonan syndrome 9 (NS9). Identifiers: Orphanet 648, MedGen C4225282, MONDO:0014691, OMIM 616559.

Submission:

Labcorp Genetics (formerly Invitae), Labcorp
Classification: Uncertain significance for Noonan syndrome 9. Last evaluated: 2023-10-22. Review status: criteria provided, single submitter. Criteria: Invitae Variant Classification Sherloc (09022015). Collection method: clinical testing. Allele origin: germline.
Comment: This sequence change affects a donor splice site in intron 11 of the SOS2 gene. It is expected to disrupt RNA splicing. Variants that disrupt the donor or acceptor splice site typically lead to a loss of protein function (PMID: 16199547), however the current clinical and genetic evidence is not sufficient to establish whether loss-of-function variants in SOS2 cause disease. This variant is not present in population databases (gnomAD no frequency). This variant has not been reported in the literature in individuals affected with SOS2-related conditions. Algorithms developed to predict the effect of sequence changes on RNA splicing suggest that this variant may disrupt the consensus splice site. In summary, the available evidence is currently insufficient to determine the role of this variant in disease. Therefore, it has been classified as a Variant of Uncertain Significance.

Literature cited by the submitters: PubMed 16199547.